The following is an entry in ClinVar:

ClinVar aggregate classification (germline): Uncertain significance (1 of 4 stars; one submission).

Conditions:
Hereditary cancer-predisposing syndrome. Also called: Neoplastic Syndromes, Hereditary; Tumor predisposition; Hereditary Cancer Syndrome; Hereditary neoplastic syndrome. Identifiers: Orphanet 140162, MedGen C0027672, MeSH D009386, MONDO:0015356.

Submission:

Ambry Genetics
Classification: Uncertain significance for Hereditary cancer-predisposing syndrome. Last evaluated: 2026-06-01. Review status: criteria provided, single submitter. Criteria: Ambry Variant Classification Scheme 2023. Collection method: clinical testing. Allele origin: germline.
Comment: The p.A289V variant (also known as c.866C>T), located in coding exon 7 of the CDK4 gene, results from a C to T substitution at nucleotide position 866. The alanine at codon 289 is replaced by valine, an amino acid with similar properties. This amino acid position is highly conserved in available vertebrate species. In addition, the in silico prediction for this alteration is inconclusive. Based on the available evidence, the clinical significance of this variant remains unclear.

NM_000075.4(CDK4):c.866C>T (p.Ala289Val)

Genes: CDK4 (cyclin dependent kinase 4; minus strand), TSPAN31 (tetraspanin 31; plus strand). Cytogenetic location: 12q14.1.
Variant type: single nucleotide variant.
Coding change: c.866C>T on transcript NM_000075.4 (MANE Select); coding-DNA position 866, C replaced by T.
Protein change: p.Ala289Val; replaces alanine 289 with valine.
Molecular consequence: missense variant. On other transcripts: 3 prime UTR variant (3).
Genome position (GRCh38, 1-based): chr12:57,748,571, G>A on the plus strand (C>T on the coding strand, the complement: CDK4 is on the minus strand). VCF-style: chr12-57748571-G-A. GRCh37 (hg19) VCF-style: chr12-58142354-G-A.
Other names: c.*1281G>A (NM_001330168.2, NM_001330169.2, NM_005981.5); short protein forms A289V.
Identifiers: ClinVar variation 4868610 (VCV004868610.1).